The following is an entry in ClinVar:

NM_000264.5(PTCH1):c.4066G>T (p.Ala1356Ser)

Gene: PTCH1 (patched 1; minus strand). Cytogenetic location: 9q22.32.
Variant type: single nucleotide variant.
Coding change: c.4066G>T on transcript NM_000264.5 (MANE Select); coding-DNA position 4066, G replaced by T.
Protein change: p.Ala1356Ser; replaces alanine 1356 with serine.
Molecular consequence: missense variant. On other transcripts: non-coding transcript variant (1).
Genome position (GRCh38, 1-based): chr9:95,447,190, C>A on the plus strand (G>T on the coding strand, the complement: PTCH1 is on the minus strand). VCF-style: chr9-95447190-C-A. GRCh37 (hg19) VCF-style: chr9-98209472-C-A.
Other names: c.3613G>T, p.Ala1205Ser (NM_001083605.3, NM_001083606.3, NM_001083607.3 and 1 more transcripts); c.3910G>T, p.Ala1304Ser (NM_001354918.2); c.3868G>T, p.Ala1290Ser (NM_001083602.3); c.4063G>T, p.Ala1355Ser (NM_001083603.3); short protein forms A1205S, A1290S, A1304S, A1355S, A1356S.
Identifiers: ClinVar variation 4801790 (VCV004801790.1).

ClinVar aggregate classification (germline): Uncertain significance (1 of 4 stars; one submission).

Conditions:
Gorlin syndrome. Also called: Nevoid Basal Cell Carcinoma Syndrome; Basal cell nevus syndrome. Identifiers: Orphanet 377, MedGen C0004779, MONDO:0007187.

Submission:

Labcorp Genetics (formerly Invitae), Labcorp
Classification: Uncertain significance for Gorlin syndrome. Last evaluated: 2025-05-13. Review status: criteria provided, single submitter. Criteria: Invitae Variant Classification Sherloc (09022015). Collection method: clinical testing. Allele origin: germline.
Comment: This sequence change replaces alanine, which is neutral and non-polar, with serine, which is neutral and polar, at codon 1356 of the PTCH1 protein (p.Ala1356Ser). This variant is not present in population databases (gnomAD no frequency). This variant has not been reported in the literature in individuals affected with PTCH1-related conditions. Invitae Evidence Modeling of protein sequence and biophysical properties (such as structural, functional, and spatial information, amino acid conservation, physicochemical variation, residue mobility, and thermodynamic stability) indicates that this missense variant is not expected to disrupt PTCH1 protein function with a negative predictive value of 95%. In summary, the available evidence is currently insufficient to determine the role of this variant in disease. Therefore, it has been classified as a Variant of Uncertain Significance.